The following is an entry in ClinVar:

ClinVar aggregate classification (germline): Uncertain significance. Review status: criteria provided, multiple submitters, no conflicts (2 of 4 stars). 2 submissions from 2 submitters: Uncertain significance (2). Last evaluated 2025-11-10.

Conditions:
Charcot-Marie-Tooth disease type 2. Also called: Charcot-Marie-Tooth type 2. Identifiers: Orphanet 64746, MedGen C0270914, MONDO:0018993.

Allele frequency attached by ClinVar (database versions not stated): gnomAD exomes below 0.00001 and 0.00001; ExAC 0.00001.
gnomAD v4.1: 4 of 1,612,004 alleles (0.00025%); highest among the groups gnomAD compares: East Asian, 0.0089%; no homozygotes.

Submissions (2):

Labcorp Genetics (formerly Invitae), Labcorp
Classification: Uncertain significance for Charcot-Marie-Tooth disease type 2. Last evaluated: 2025-11-10. Review status: criteria provided, single submitter. Criteria: Invitae Variant Classification Sherloc (09022015). Collection method: clinical testing. Allele origin: germline.
Comment: This sequence change replaces serine, which is neutral and polar, with asparagine, which is neutral and polar, at codon 1213 of the KIF1B protein (p.Ser1213Asn). This variant is present in population databases (rs756530731, gnomAD 0.006%). This variant has not been reported in the literature in individuals affected with KIF1B-related conditions. ClinVar contains an entry for this variant (Variation ID: 1433006). An algorithm developed to predict the effect of missense changes on protein structure and function (PolyPhen-2) suggests that this variant is likely to be tolerated. In summary, the available evidence is currently insufficient to determine the role of this variant in disease. Therefore, it has been classified as a Variant of Uncertain Significance.

Ambry Genetics
Classification: Uncertain significance. Last evaluated: 2024-09-15. Review status: criteria provided, single submitter. Criteria: Ambry Variant Classification Scheme 2023. Collection method: clinical testing. Allele origin: germline.
Comment: The p.S1213N variant (also known as c.3638G>A), located in coding exon 32 of the KIF1B gene, results from a G to A substitution at nucleotide position 3638. The serine at codon 1213 is replaced by asparagine, an amino acid with highly similar properties. This amino acid position is conserved. In addition, this alteration is predicted to be tolerated by in silico analysis. Based on the available evidence, the clinical significance of this variant remains unclear.

NM_001365951.3(KIF1B):c.3776G>A (p.Ser1259Asn)

Gene: KIF1B (kinesin family member 1B; plus strand). Cytogenetic location: 1p36.22.
Variant type: single nucleotide variant.
Coding change: c.3776G>A on transcript NM_001365951.3 (MANE Select); coding-DNA position 3776, G replaced by A.
Protein change: p.Ser1259Asn; replaces serine 1259 with asparagine.
Molecular consequence: missense variant.
Genome position (GRCh38, 1-based): chr1:10,345,932, G>A. VCF-style: chr1-10345932-G-A. GRCh37 (hg19) VCF-style: chr1-10405990-G-A.
Other names: c.3776G>A, p.Ser1259Asn (NM_001365952.1); c.3638G>A, p.Ser1213Asn (NM_015074.3); short protein forms S1213N, S1259N.
Identifiers: ClinVar variation 1433006 (VCV001433006.7), dbSNP rs756530731, ClinGen allele CA581869.